The following is an entry in ClinVar:

ClinVar aggregate classification (germline): Likely benign. Review status: criteria provided, multiple submitters, no conflicts (2 of 4 stars). 4 submissions from 4 submitters: Likely benign (3). 1 of the submissions does not count toward it. Last evaluated 2026-01-12.

Conditions:
VPS13B-related disorder. Also called: VPS13B-related condition.
Inborn genetic diseases. Identifiers: MedGen C0950123, MeSH D030342.
Cohen syndrome (COH1). Also called: PEPPER SYNDROME; Cutis verticis gyrata, retinitis pigmentosa, and sensorineural deafness. Identifiers: Orphanet 193, MedGen C0265223, MONDO:0008999, OMIM 216550.

Allele frequency attached by ClinVar (database versions not stated): ExAC 0.00001; gnomAD 0.00001; gnomAD exomes 0.00001 and 0.00002; TOPMed 0.00003.
gnomAD v4.1: 22 of 1,614,002 alleles (0.0014%); highest among the groups gnomAD compares: Non-Finnish European, 0.0015%; no homozygotes.

Submissions (4):

Labcorp Genetics (formerly Invitae), Labcorp
Classification: Likely benign for Cohen syndrome. Last evaluated: 2026-01-12. Review status: criteria provided, single submitter. Criteria: Invitae Variant Classification Sherloc (09022015). Collection method: clinical testing. Allele origin: germline.

Blueprint Genetics
Classification: Likely benign. Last evaluated: 2024-09-20. Review status: criteria provided, single submitter. Criteria: ACMG Guidelines, 2015. Collection method: clinical testing. Allele origin: germline.

Ambry Genetics
Classification: Likely benign for Inborn genetic diseases. Last evaluated: 2017-07-26. Review status: criteria provided, single submitter. Criteria: Ambry Variant Classification Scheme 2023. Collection method: clinical testing. Allele origin: germline.

PreventionGenetics, part of Exact Sciences
Classification: Likely benign for VPS13B-related condition. Last evaluated: 2024-02-15. Review status: no assertion criteria provided. Collection method: clinical testing. Allele origin: germline. Not counted in ClinVar's aggregate classification.
Comment: This variant is classified as likely benign based on ACMG/AMP sequence variant interpretation guidelines (Richards et al. 2015 PMID: 25741868, with internal and published modifications).

NM_152564.5(VPS13B):c.10950C>T (p.Phe3650=)

Gene: VPS13B (vacuolar protein sorting 13 homolog B; plus strand). Cytogenetic location: 8q22.2.
Variant type: single nucleotide variant.
Coding change: c.10950C>T on transcript NM_152564.5 (MANE Select); coding-DNA position 10950, C replaced by T.
Protein change: p.Phe3650=; no amino-acid change (phenylalanine 3650 retained).
Molecular consequence: synonymous variant.
Genome position (GRCh38, 1-based): chr8:99,859,386, C>T. VCF-style: chr8-99859386-C-T. GRCh37 (hg19) VCF-style: chr8-100871614-C-T.
Other names: c.11025C>T, p.Phe3675= (NM_017890.5); c.10950C>T (NM_152564.4).
Identifiers: ClinVar variation 1119383 (VCV001119383.14), dbSNP rs773394643, ClinGen allele CA4825076.